The following is an entry in ClinVar:

ClinVar aggregate classification (germline): Uncertain significance (1 of 4 stars; one submission).

Conditions:
Hereditary cancer-predisposing syndrome. Also called: Tumor predisposition; Neoplastic Syndromes, Hereditary; Hereditary neoplastic syndrome; Hereditary Cancer Syndrome. Identifiers: Orphanet 140162, MedGen C0027672, MeSH D009386, MONDO:0015356.

Submission:

Ambry Genetics
Classification: Uncertain significance for Hereditary cancer-predisposing syndrome. Last evaluated: 2024-11-26. Review status: criteria provided, single submitter. Criteria: Ambry Variant Classification Scheme 2023. Collection method: clinical testing. Allele origin: germline.
Comment: The p.G323C variant (also known as c.967G>T), located in coding exon 4 of the BARD1 gene, results from a G to T substitution at nucleotide position 967. The glycine at codon 323 is replaced by cysteine, an amino acid with highly dissimilar properties. This amino acid position is conserved. In addition, this alteration is predicted to be tolerated by in silico analysis. Based on the available evidence, the clinical significance of this variant remains unclear.

NM_000465.4(BARD1):c.967G>T (p.Gly323Cys)

Gene: BARD1 (BRCA1 associated RING domain 1; minus strand). Cytogenetic location: 2q35.
Variant type: single nucleotide variant.
Coding change: c.967G>T on transcript NM_000465.4 (MANE Select); coding-DNA position 967, G replaced by T.
Protein change: p.Gly323Cys; replaces glycine 323 with cysteine.
Molecular consequence: missense variant. On other transcripts: non-coding transcript variant (2), intron variant (3).
Genome position (GRCh38, 1-based): chr2:214,780,907, C>A on the plus strand (G>T on the coding strand, the complement: BARD1 is on the minus strand). VCF-style: chr2-214780907-C-A. GRCh37 (hg19) VCF-style: chr2-215645631-C-A.
Other names: c.910G>T, p.Gly304Cys (NM_001282543.2); c.159-28352G>T (NM_001282548.2); c.215+16154G>T (NM_001282545.2); c.364+11390G>T (NM_001282549.2); short protein forms G304C, G323C.
Identifiers: ClinVar variation 3479745 (VCV003479745.1).